The following is an entry in ClinVar:

NM_015443.4(KANSL1):c.1533+112G>A

Gene: KANSL1 (KAT8 regulatory NSL complex subunit 1). Cytogenetic location: 17q21.31.
Variant type: single nucleotide variant.
Coding change: c.1533+112G>A on transcript NM_015443.4 (MANE Select); 112 bases into the intron after coding-DNA position 1533, G replaced by A.
Molecular consequence: intron variant.
Genome position (GRCh38, 1-based): chr17:46,082,329, C>T on the plus strand (G>A on the coding strand, the complement: KANSL1 is on the minus strand). VCF-style: chr17-46082329-C-T. GRCh37 (hg19) VCF-style: chr17-44159695-C-T.
Other names: c.1533+112G>A (NM_001193465.2, NM_001379198.1, NM_001193466.2).
Identifiers: ClinVar variation 675099 (VCV000675099.2), dbSNP rs77925835, ClinGen allele CA14404296.

ClinVar aggregate classification (germline): Benign. Review status: criteria provided, multiple submitters, no conflicts (2 of 4 stars). 2 submissions from 2 submitters: Benign (2). Last evaluated 2018-06-14.

Allele frequency attached by ClinVar (database versions not stated): 1000 Genomes Project 30x 0.08542; 1000 Genomes Project 0.08626; gnomAD 0.14186 and 0.14472; TOPMed 0.14812; gnomAD exomes 0.15726.
gnomAD v4.1: 97,538 of 632,918 alleles (15%); highest among the groups gnomAD compares: Non-Finnish European, 21%; 9,338 homozygotes.

Submissions (2):

GeneDx
Classification: Benign. Last evaluated: 2018-06-14. Review status: criteria provided, single submitter. Criteria: GeneDx Variant Classification (06012015). Collection method: clinical testing. Allele origin: germline. Affected: yes.
Comment: This variant is considered likely benign or benign based on one or more of the following criteria: it is a conservative change, it occurs at a poorly conserved position in the protein, it is predicted to be benign by multiple in silico algorithms, and/or has population frequency not consistent with disease.

Breakthrough Genomics
Classification: Benign. Review status: criteria provided, single submitter. Criteria: ACMG Guidelines, 2015. Collection method: not provided. Allele origin: germline. Inheritance: Autosomal dominant inheritance. Affected: yes.